The following is an entry in ClinVar:

NM_001035.3(RYR2):c.3946_3954delinsGCGAGGA (p.Lys1316fs)

Genes: RYR2 (ryanodine receptor 2; plus strand), LOC126806067 (BRD4-independent group 4 enhancer GRCh37_chr1:237753258-237754457; plus strand). Cytogenetic location: 1q43.
Variant type: Indel.
Coding change: c.3946_3954delinsGCGAGGA on transcript NM_001035.3 (MANE Select); coding-DNA positions 3946 to 3954, AAGACGGTG replaced by GCGAGGA.
Protein change: p.Lys1316fs; shifts the reading frame from lysine 1316.
Molecular consequence: frameshift variant.
Genome position (GRCh38, 1-based): chr1:237,590,778-237,590,786, AAGACGGTG replaced by GCGAGGA. VCF-style: chr1-237590778-AAGACGGTG-GCGAGGA. GRCh37 (hg19) VCF-style: chr1-237754078-AAGACGGTG-GCGAGGA.
Other names: short protein forms K1316fs.
Identifiers: ClinVar variation 922368 (VCV000922368.3), dbSNP rs1675067718, ClinGen allele CA1139655547.

ClinVar aggregate classification (germline): Uncertain significance (1 of 4 stars; one submission).

Conditions:
Cardiomyopathy (CMYO). Also called: Cardiomyopathies. Identifiers: Orphanet 167848, MedGen C0878544, MONDO:0004994, HP:0001638. Inheritance: Various modes of inheritance.

Submission:

Color Diagnostics, LLC DBA Color Health
Classification: Uncertain significance for Cardiomyopathy. Last evaluated: 2019-07-20. Review status: criteria provided, single submitter. Criteria: ACMG Guidelines, 2015. Collection method: clinical testing. Allele origin: germline.
Comment: This variant is located in the RYR2 protein. To our knowledge, functional studies have not been performed for this variant nor has this variant been reported in individuals affected with cardiovascular disorders in the literature. This variant has not been identified in the general population by the Genome Aggregation Database (gnomAD). Clinical significance of loss-of-function truncations in the TMEM43 gene is not clearly established. Available evidence is insufficient to determine the role of this variant in disease conclusively. Therefore, this variant is classified as a Variant of Uncertain Significance.